The following is an entry in ClinVar:

NM_007373.4(SHOC2):c.*16C>G

Gene: SHOC2 (SHOC2 leucine rich repeat scaffold protein; plus strand). Cytogenetic location: 10q25.2.
Variant type: single nucleotide variant.
Coding change: c.*16C>G on transcript NM_007373.4 (MANE Select); 16 bases downstream of the stop codon, C replaced by G.
Molecular consequence: 3 prime UTR variant. On other transcripts: non-coding transcript variant (1).
Genome position (GRCh38, 1-based): chr10:111,011,834, C>G. VCF-style: chr10-111011834-C-G. GRCh37 (hg19) VCF-style: chr10-112771592-C-G.
Other names: c.*16C>G (NM_001269039.3, NM_001324336.2, NM_001324337.2).
Identifiers: ClinVar variation 984487 (VCV000984487.1), dbSNP rs753327392, ClinGen allele CA5689836.

ClinVar aggregate classification (germline): Uncertain significance (1 of 4 stars; one submission).

Allele frequency attached by ClinVar (database versions not stated): TOPMed 0.00001.
gnomAD v4.1: 26 of 1,587,042 alleles (0.0016%); highest among the groups gnomAD compares: Admixed American, 0.005%; no homozygotes.

Submission:

Women's Health and Genetics/Laboratory Corporation of America, LabCorp
Classification: Uncertain significance. Last evaluated: 2020-10-19. Review status: criteria provided, single submitter. Criteria: LabCorp Variant Classification Summary - May 2015. Collection method: clinical testing. Allele origin: germline.
Comment: Variant summary: SHOC2 c.*16C>G is located in the untranslated mRNA region downstream of the termination codon. The variant allele was found at a frequency of 2e-05 in 250898 control chromosomes. The available data on variant occurrences in the general population are insufficient to allow any conclusion about variant significance. To our knowledge, no occurrence of c.*16C>G in individuals affected with Noonan Syndrome With Loose Anagen Hair and no experimental evidence demonstrating its impact on protein function have been reported. No clinical diagnostic laboratories have submitted clinical-significance assessments for this variant to ClinVar after 2014. Based on the evidence outlined above, the variant was classified as uncertain significance.